The following is an entry in ClinVar:

NM_001374736.1(DST):c.17779C>T (p.Gln5927Ter)

Gene: DST (dystonin; minus strand). Cytogenetic location: 6p12.1.
Variant type: single nucleotide variant.
Coding change: c.17779C>T on transcript NM_001374736.1 (MANE Select); coding-DNA position 17779, C replaced by T.
Protein change: p.Gln5927Ter; replaces glutamine 5927 with a stop codon.
Molecular consequence: nonsense.
Genome position (GRCh38, 1-based): chr6:56,527,636, G>A on the plus strand (C>T on the coding strand, the complement: DST is on the minus strand). VCF-style: chr6-56527636-G-A. GRCh37 (hg19) VCF-style: chr6-56392434-G-A.
Other names: c.11422C>T, p.Gln3808Ter (NM_001144769.5); c.11008C>T, p.Gln3670Ter (NM_001144770.2); c.17779C>T, p.Gln5927Ter (NM_001374722.1); c.16819C>T, p.Gln5607Ter (NM_001374729.1); c.10561C>T, p.Gln3521Ter (NM_001374730.1); c.17806C>T, p.Gln5936Ter (NM_001374734.1); c.10888C>T, p.Gln3630Ter (NM_001386100.1, NM_183380.4); c.9910C>T, p.Gln3304Ter (NM_015548.5); short protein forms Q5936*, Q3521*, Q3670*, Q3808*, Q5607*, Q3304*, Q3630*, Q5927*.
Identifiers: ClinVar variation 2937856 (VCV002937856.3), dbSNP rs1584100685, ClinGen allele CA364506338.
Genomic context (GRCh38, chr6:56,527,636, plus strand): 5'-CCAGCCAGGTACACAGCTCTTCGTGTGTGGAGTGCAGCCGCCTTGCAAGCTGCAGCGCCT[G>A]TTCCAGAGTCTTGGCCACATCAGTGCTCAGTTTAGTAATGTCTTTGTACCTTGCTTTAAT-3'

ClinVar aggregate classification (germline): Pathogenic (1 of 4 stars; one submission).

Conditions:
Hereditary sensory and autonomic neuropathy type 6. Also called: HSAN VI; Neuropathy, hereditary sensory and autonomic, type VI. Identifiers: Orphanet 314381, MedGen C3539003, MONDO:0013839, OMIM 614653.
Epidermolysis bullosa simplex 3, localized or generalized intermediate, with BP230 deficiency (EBS3). Also called: Epidermolysis bullosa simplex, autosomal recessive 2; Epidermolysis bullosa simplex due to BP230 deficiency. Identifiers: Orphanet 412181, MedGen C3809470, MONDO:0014180, OMIM 615425.

Submission:

Labcorp Genetics (formerly Invitae), Labcorp
Classification: Pathogenic for Epidermolysis bullosa simplex 3, localized or generalized intermediate, with BP230 deficiency; Hereditary sensory and autonomic neuropathy type 6. Last evaluated: 2024-11-24. Review status: criteria provided, single submitter. Criteria: Invitae Variant Classification Sherloc (09022015). Collection method: clinical testing. Allele origin: germline.
Comment: The DST gene has multiple clinically relevant transcripts. This variant occurs in alternate transcript NM_015548.4:c.9910C>T, and corresponds to NM_001723.5:c.*87881C>T in the primary transcript. This sequence change creates a premature translational stop signal (p.Gln3304*) in the DST gene. It is expected to result in an absent or disrupted protein product. Loss-of-function variants in DST are known to be pathogenic (PMID: 22522446, 25059916, 30371979). This variant is not present in population databases (gnomAD no frequency). This variant has not been reported in the literature in individuals affected with DST-related conditions. Experimental studies and prediction algorithms are not available or were not evaluated, and the functional significance of this variant is currently unknown. For these reasons, this variant has been classified as Pathogenic.

Literature cited by the submitters: PubMed 22522446; PubMed 25059916; PubMed 30371979.